The following is an entry in ClinVar:

ClinVar aggregate classification (germline): Uncertain significance (1 of 4 stars; one submission).

Conditions:
FOXP2-related disorder. Also called: FOXP2-related condition.

gnomAD v4.1: 4 of 1,612,116 alleles (0.00025%); highest among the groups gnomAD compares: Non-Finnish European, 0.00034%; no homozygotes.

Submission:

PreventionGenetics, part of Exact Sciences
Classification: Uncertain significance for FOXP2-related condition. Last evaluated: 2023-07-24. Review status: criteria provided, single submitter. Criteria: ACMG Guidelines, 2015. Collection method: clinical testing. Allele origin: germline.
Comment: The FOXP2 c.309T>G variant is predicted to result in the amino acid substitution p.Asp103Glu. This variant is referred to as c.258+36151T>G (intronic) with an alternate transcript NM_014491. To our knowledge, this variant has not been reported in the literature or in a large population database, indicating this variant is rare. At this time, the clinical significance of this variant is uncertain due to the absence of conclusive functional and genetic evidence.

NM_014491.4(FOXP2):c.258+36151T>G

Gene: FOXP2 (forkhead box P2; plus strand). Cytogenetic location: 7q31.1.
Variant type: single nucleotide variant.
Coding change: c.258+36151T>G on transcript NM_014491.4 (MANE Select); 36151 bases into the intron after coding-DNA position 258, T replaced by G.
Molecular consequence: intron variant. On other transcripts: missense variant (2), non-coding transcript variant (1).
Genome position (GRCh38, 1-based): chr7:114,570,857, T>G. VCF-style: chr7-114570857-T-G. GRCh37 (hg19) VCF-style: chr7-114210912-T-G.
Other names: c.309T>G, p.Asp103Glu (NM_001172767.2, NM_148898.4); c.-1167T>G (NM_001172777.1); c.258+36151T>G (NM_148900.4, NM_001172766.3, NM_148899.3); short protein forms D103E.
Identifiers: ClinVar variation 2631646 (VCV002631646.1), dbSNP rs746011871, ClinGen allele CA368963143.
Genomic context (GRCh38, chr7:114,570,857, plus strand): 5'-TTTAACCTAGGAATTGCTTCCAGAAACAAAATTATGTATCTGTGGCCACTCTTCTGGTGA[T>G]GGGCATCCTCACAACACATTTGCAGTAAGTTACACTGGGCAATTAGAAATTCAGCTACTA-3'